The following is an entry in ClinVar:

NM_177531.6(PKHD1L1):c.7175T>C (p.Ile2392Thr)

Gene: PKHD1L1 (PKHD1 like 1; plus strand). Cytogenetic location: 8q23.1.
Variant type: single nucleotide variant.
Coding change: c.7175T>C on transcript NM_177531.6 (MANE Select); coding-DNA position 7175, T replaced by C.
Protein change: p.Ile2392Thr; replaces isoleucine 2392 with threonine.
Molecular consequence: missense variant.
Genome position (GRCh38, 1-based): chr8:109,459,765, T>C. VCF-style: chr8-109459765-T-C. GRCh37 (hg19) VCF-style: chr8-110471994-T-C.
Other names: short protein forms I2392T.
Identifiers: ClinVar variation 4568427 (VCV004568427.2).

ClinVar aggregate classification (germline): Uncertain significance. Review status: criteria provided, multiple submitters, no conflicts (2 of 4 stars). 2 submissions from 2 submitters: Uncertain significance (2). Last evaluated 2025-10-28.

Conditions:
PKHD1L1-related disorder. Also called: PKHD1L1-related condition.

gnomAD v4.1: 221 of 1,611,478 alleles (0.014%); highest among the groups gnomAD compares: Middle Eastern, 0.033%; no homozygotes.

Submissions (2):

Ambry Genetics
Classification: Uncertain significance. Last evaluated: 2025-10-28. Review status: criteria provided, single submitter. Criteria: Ambry Variant Classification Scheme 2023. Collection method: clinical testing. Allele origin: germline.

PreventionGenetics, part of Exact Sciences
Classification: Uncertain significance for PKHD1L1-related condition. Last evaluated: 2024-11-27. Review status: criteria provided, single submitter. Criteria: ACMG Guidelines, 2015. Collection method: clinical testing. Allele origin: germline.
Comment: The PKHD1L1 c.7175T>C variant is predicted to result in the amino acid substitution p.Ile2392Thr. To our knowledge, this variant has not been reported in the literature. This variant is reported in 0.017% of alleles in individuals of European (Non-Finnish) descent in gnomAD. At this time, the clinical significance of this variant is uncertain due to the absence of conclusive functional and genetic evidence.